The following is an entry in ClinVar:

ClinVar aggregate classification (germline): Conflicting classifications of pathogenicity. Review status: criteria provided, conflicting classifications (1 of 4 stars). 2 submissions from 2 submitters: Uncertain significance (1); Likely benign (1). Last evaluated 2022-07-22.

Conditions:
Cardiovascular phenotype. Identifiers: MedGen CN230736.

Allele frequency attached by ClinVar (database versions not stated): gnomAD 0.00001; TOPMed 0.00003.
gnomAD v4.1: 9 of 1,608,076 alleles (0.00056%); highest among the groups gnomAD compares: African/African-American, 0.0027%; no homozygotes.

Submissions (2):

GeneDx
Classification: Uncertain significance. Last evaluated: 2022-07-22. Review status: criteria provided, single submitter. Criteria: GeneDx Variant Classification Process June 2021. Collection method: clinical testing. Allele origin: germline. Affected: yes.
Comment: Not observed at significant frequency in large population cohorts (gnomAD); In silico analysis supports that this missense variant does not alter protein structure/function; Has not been previously published as pathogenic or benign to our knowledge

Ambry Genetics
Classification: Likely benign for Cardiovascular phenotype. Last evaluated: 2021-11-24. Review status: criteria provided, single submitter. Criteria: Ambry Variant Classification Scheme 2023. Collection method: clinical testing. Allele origin: germline.

NM_001365276.2(TNXB):c.5603C>T (p.Thr1868Met)

Gene: TNXB (tenascin XB; minus strand). Cytogenetic location: 6p21.33.
Variant type: single nucleotide variant.
Coding change: c.5603C>T on transcript NM_001365276.2 (MANE Select); coding-DNA position 5603, C replaced by T.
Protein change: p.Thr1868Met; replaces threonine 1868 with methionine.
Molecular consequence: missense variant.
Genome position (GRCh38, 1-based): chr6:32,069,121, G>A on the plus strand (C>T on the coding strand, the complement: TNXB is on the minus strand). VCF-style: chr6-32069121-G-A. GRCh37 (hg19) VCF-style: chr6-32036898-G-A.
Other names: c.5603C>T, p.Thr1868Met (NM_019105.8); short protein forms T1868M.
Identifiers: ClinVar variation 1748585 (VCV001748585.4), dbSNP rs1188559992, ClinGen allele CA363410637.